The following is an entry in ClinVar:

ClinVar aggregate classification (germline): Pathogenic (1 of 4 stars; one submission).

Conditions:
Autosomal recessive polycystic kidney disease (ARPKD). Also called: AR polycystic kidney disease. Identifiers: Orphanet 731, Orphanet 8378, MedGen C0085548, MeSH D017044, MONDO:0009889.

Submission:

Labcorp Genetics (formerly Invitae), Labcorp
Classification: Pathogenic for Autosomal recessive polycystic kidney disease. Last evaluated: 2023-08-23. Review status: criteria provided, single submitter. Criteria: Invitae Variant Classification Sherloc (09022015). Collection method: clinical testing. Allele origin: germline.
Comment: This sequence change creates a premature translational stop signal (p.Asp608Argfs*38) in the PKHD1 gene. It is expected to result in an absent or disrupted protein product. Loss-of-function variants in PKHD1 are known to be pathogenic (PMID: 19940839). This variant is not present in population databases (gnomAD no frequency). This variant has not been reported in the literature in individuals affected with PKHD1-related conditions. For these reasons, this variant has been classified as Pathogenic.

Literature cited by the submitters: PubMed 19940839.

NM_138694.4(PKHD1):c.1820dup (p.Asp608fs)

Gene: PKHD1 (PKHD1 ciliary IPT domain containing fibrocystin/polyductin; minus strand). Cytogenetic location: 6p12.2.
Variant type: Duplication.
Coding change: c.1820dup on transcript NM_138694.4 (MANE Select); coding-DNA position 1820, one base duplicated (T; older notation c.1820dupT).
Protein change: p.Asp608fs; shifts the reading frame from aspartic acid 608.
Molecular consequence: frameshift variant.
Genome position (GRCh38, 1-based): chr6:52,055,603, A duplicated on the plus strand (T on the coding strand, the reverse complement: PKHD1 is on the minus strand). VCF-style (leftmost placement, unchanged base first): chr6-52055602-T-TA. GRCh37 (hg19) VCF-style: chr6-51920400-T-TA.
Other names: c.1820dup, p.Asp608fs (NM_170724.3); short protein forms D608fs.
Identifiers: ClinVar variation 2752771 (VCV002752771.3), dbSNP rs2533314072, ClinGen allele CA2697553418.